The following is an entry in ClinVar:

NM_001114753.3(ENG):c.1351C>T (p.Gln451Ter)

Genes: ENG (endoglin; minus strand), LOC102723566 (uncharacterized LOC102723566; plus strand). Cytogenetic location: 9q34.11.
Variant type: single nucleotide variant.
Coding change: c.1351C>T on transcript NM_001114753.3 (MANE Select); coding-DNA position 1351, C replaced by T.
Protein change: p.Gln451Ter; replaces glutamine 451 with a stop codon.
Molecular consequence: nonsense.
Genome position (GRCh38, 1-based): chr9:127,818,793, G>A on the plus strand (C>T on the coding strand, the complement: ENG is on the minus strand). VCF-style: chr9-127818793-G-A. GRCh37 (hg19) VCF-style: chr9-130581072-G-A.
Other names: c.1351C>T, p.Gln451Ter (NM_000118.4); c.805C>T, p.Gln269Ter (NM_001278138.2); short protein forms Q451*, Q269*.
Identifiers: ClinVar variation 528067 (VCV000528067.8), dbSNP rs1554809355, ClinGen allele CA374977575.

ClinVar aggregate classification (germline): Pathogenic (1 of 4 stars; one submission).

Conditions:
Hereditary hemorrhagic telangiectasia (HHT). Also called: Osler hemorrhagic telangiectasia syndrome; ORW DISEASE; Osler Weber Rendu syndrome; OSLER-RENDU-WEBER DISEASE. Identifiers: Orphanet 774, MedGen C0039445, MONDO:0019180. Disease mechanism: loss of function.

Submission:

Labcorp Genetics (formerly Invitae), Labcorp
Classification: Pathogenic for Hereditary hemorrhagic telangiectasia. Last evaluated: 2023-04-03. Review status: criteria provided, single submitter. Criteria: Invitae Variant Classification Sherloc (09022015). Collection method: clinical testing. Allele origin: germline.
Comment: ClinVar contains an entry for this variant (Variation ID: 528067). For these reasons, this variant has been classified as Pathogenic. This premature translational stop signal has been observed in individual(s) with hereditary hemorrhagic telangiectasia (PMID: 16752392). This variant is not present in population databases (gnomAD no frequency). This sequence change creates a premature translational stop signal (p.Gln451*) in the ENG gene. It is expected to result in an absent or disrupted protein product. Loss-of-function variants in ENG are known to be pathogenic (PMID: 15879500).

Literature cited by the submitters: PubMed 16752392; PubMed 15879500.